The following is an entry in ClinVar:

NM_006164.5(NFE2L2):c.1168C>G (p.Gln390Glu)

Gene: NFE2L2 (NFE2 like bZIP transcription factor 2; minus strand). Cytogenetic location: 2q31.2.
Variant type: single nucleotide variant.
Coding change: c.1168C>G on transcript NM_006164.5 (MANE Select); coding-DNA position 1168, C replaced by G.
Protein change: p.Gln390Glu; replaces glutamine 390 with glutamic acid.
Molecular consequence: missense variant.
Genome position (GRCh38, 1-based): chr2:177,231,435, G>C on the plus strand (C>G on the coding strand, the complement: NFE2L2 is on the minus strand). VCF-style: chr2-177231435-G-C. GRCh37 (hg19) VCF-style: chr2-178096163-G-C.
Other names: c.1120C>G, p.Gln374Glu (NM_001145412.3, NM_001313900.1, NM_001313901.1); c.1099C>G, p.Gln367Glu (NM_001145413.3); c.1078C>G, p.Gln360Glu (NM_001313902.2); c.949C>G, p.Gln317Glu (NM_001313903.2); c.868C>G, p.Gln290Glu (NM_001313904.1); short protein forms Q290E, Q317E, Q360E, Q367E, Q374E, Q390E.
Identifiers: ClinVar variation 3234991 (VCV003234991.1), dbSNP rs2105452552, ClinGen allele CA349371573.

ClinVar aggregate classification (germline): Uncertain significance (1 of 4 stars; one submission).

Conditions:
Immunodeficiency, developmental delay, and hypohomocysteinemia. Identifiers: MedGen C4540293, MONDO:0060591, OMIM 617744.

Allele frequency attached by ClinVar (database versions not stated): gnomAD exomes below 0.00001; gnomAD 0.00001.
gnomAD v4.1: 2 of 1,614,130 alleles (0.00012%); highest among the groups gnomAD compares: South Asian, 0.0022%; no homozygotes.

Submission:

Neuberg Centre For Genomic Medicine, NCGM
Classification: Uncertain significance for Immunodeficiency, developmental delay, and hypohomocysteinemia. Review status: criteria provided, single submitter. Criteria: ACMG Guidelines, 2015. Collection method: clinical testing. Allele origin: germline. Inheritance: Autosomal dominant inheritance. Affected: yes.
Comment: The missense variant c.1168C>G p.Gln390Glu in the NFE2L2 gene has not been reported previously as a pathogenic variant nor as a benign variant, to our knowledge. This variant is novel not in any individuals in gnomAD Exomes and 1000 Genomes. The amino acid Glutamine at position 390 is changed to a Glutamic Acid changing protein sequence and it might alter its composition and physico-chemical properties. The amino acid change p.Gln390Glu in NFE2L2 is predicted as conserved by GERP++ and PhyloP across 100 vertebrates. For these reasons, this variant has been classified as Uncertain Significance.